The following is an entry in ClinVar:

ClinVar aggregate classification (germline): Uncertain significance (1 of 4 stars; one submission).

Submission:

Labcorp Genetics (formerly Invitae), Labcorp
Classification: Uncertain significance. Last evaluated: 2025-10-08. Review status: criteria provided, single submitter. Criteria: Invitae Variant Classification Sherloc (09022015). Collection method: clinical testing. Allele origin: germline.
Comment: This sequence change replaces glycine, which is neutral and non-polar, with alanine, which is neutral and non-polar, at codon 21 of the IL21 protein (p.Gly21Ala). This variant is not present in population databases (gnomAD no frequency). This variant has not been reported in the literature in individuals affected with IL21-related conditions. An algorithm developed to predict the effect of missense changes on protein structure and function (PolyPhen-2) suggests that this variant is likely to be disruptive. In summary, the available evidence is currently insufficient to determine the role of this variant in disease. Therefore, it has been classified as a Variant of Uncertain Significance.

NM_021803.4(IL21):c.62G>C (p.Gly21Ala)

Genes: IL21 (interleukin 21; minus strand), IL21-AS1 (IL21 antisense RNA 1; plus strand), LOC126807147 (CDK7 strongly-dependent group 2 enhancer GRCh37_chr4:123541308-123542507; plus strand). Cytogenetic location: 4q27.
Variant type: single nucleotide variant.
Coding change: c.62G>C on transcript NM_021803.4 (MANE Select); coding-DNA position 62, G replaced by C.
Protein change: p.Gly21Ala; replaces glycine 21 with alanine.
Molecular consequence: missense variant. On other transcripts: non-coding transcript variant (1).
Genome position (GRCh38, 1-based): chr4:122,620,950, C>G on the plus strand (G>C on the coding strand, the complement: IL21 is on the minus strand). VCF-style: chr4-122620950-C-G. GRCh37 (hg19) VCF-style: chr4-123542105-C-G.
Other names: c.62G>C, p.Gly21Ala (NM_001207006.3); short protein forms G21A.
Identifiers: ClinVar variation 4770654 (VCV004770654.1).
Genomic context (GRCh38, chr4:122,620,950, plus strand): 5'-TGACGCATTCTAATCATGTGGCGATCTTGACCTTGGGAGCTTGATTTGTGGACCAGTGTC[C>G]CCAAGAAGATGACCATCAGACAGATGACAATCCTCTCCATGTTGCCAGGACTGGATCTCA-3'
Protein context (NP_068575.1, residues 11-31): IVICLMVIFL[Gly21Ala]TLVHKSSSQG